The following is an entry in ClinVar:

ClinVar aggregate classification (germline): Conflicting classifications of pathogenicity. Review status: criteria provided, conflicting classifications (1 of 4 stars). 4 submissions from 4 submitters: Pathogenic (1); Likely pathogenic (1); Uncertain significance (2). Last evaluated 2025-06-19.

Conditions:
Usher syndrome type 2A. Also called: USHER SYNDROME, TYPE IIA; RETINAL DISEASE IN USHER SYNDROME TYPE IIA, MODIFIER OF. Identifiers: Orphanet 231178, Orphanet 886, MedGen C1848634, MONDO:0010169, OMIM 276901.
Retinal dystrophy. Also called: Inherited retinal dystrophy. Identifiers: Orphanet 71862, MedGen C0854723, MeSH D058499, MONDO:0019118, HP:0000556.

Submissions (4):

Women's Health and Genetics/Laboratory Corporation of America, LabCorp
Classification: Uncertain significance. Last evaluated: 2025-06-19. Review status: criteria provided, single submitter. Criteria: LabCorp Variant Classification Summary - May 2015. Collection method: clinical testing. Allele origin: germline.
Comment: Variant summary: USH2A c.1829A>C (p.His610Pro) results in a non-conservative amino acid change in the encoded protein sequence. Algorithms developed to predict the effect of missense changes on protein structure and function all suggest that this variant is likely to be disruptive. The variant was absent in 251330 control chromosomes. The available data on variant occurrences in the general population are insufficient to allow any conclusion about variant significance. c.1829A>C has been observed in the presumed compound heterozygous state in at least 1 individual(s) affected with Usher Syndrome (Bernal_2003) and in a triply heterozygous state in 1 individual with nonsyndromic retinitis pigmentosa (Kiel_2024). These data do not allow any conclusion about variant significance. To our knowledge, no experimental evidence demonstrating an impact on protein function has been reported. The following publications have been ascertained in the context of this evaluation (PMID: 16963483, 15025721, 12525556, 38016437, 39462066). ClinVar contains an entry for this variant (Variation ID: 801618). Based on the evidence outlined above, the variant was classified as uncertain significance.

Labcorp Genetics (formerly Invitae), Labcorp
Classification: Uncertain significance. Last evaluated: 2023-08-04. Review status: criteria provided, single submitter. Criteria: Invitae Variant Classification Sherloc (09022015). Collection method: clinical testing. Allele origin: germline.
Comment: In summary, the available evidence is currently insufficient to determine the role of this variant in disease. Therefore, it has been classified as a Variant of Uncertain Significance. Advanced modeling of protein sequence and biophysical properties (such as structural, functional, and spatial information, amino acid conservation, physicochemical variation, residue mobility, and thermodynamic stability) performed at Invitae indicates that this missense variant is expected to disrupt USH2A protein function. ClinVar contains an entry for this variant (Variation ID: 801618). This missense change has been observed in individual(s) with retinitis pigmentosa (PMID: 12525556). This variant is not present in population databases (gnomAD no frequency). This sequence change replaces histidine, which is basic and polar, with proline, which is neutral and non-polar, at codon 610 of the USH2A protein (p.His610Pro).

Institute of Human Genetics, Univ. Regensburg, Univ. Regensburg
Classification: Likely pathogenic for Retinal dystrophy. Last evaluated: 2022-01-01. Review status: criteria provided, single submitter. Criteria: ACMG Guidelines, 2015. Collection method: clinical testing. Allele origin: germline. Affected: yes.

Mendelics
Classification: Pathogenic for Usher syndrome type 2A. Last evaluated: 2019-05-28. Review status: criteria provided, single submitter. Criteria: Mendelics Assertion Criteria 2017. Collection method: clinical testing. Allele origin: unknown.

Literature cited by the submitters: PubMed 16963483 (cited by Women's Health and Genetics/Laboratory Corporation of America, LabCorp); PubMed 39462066 (cited by Women's Health and Genetics/Laboratory Corporation of America, LabCorp); PubMed 15025721 (cited by Women's Health and Genetics/Laboratory Corporation of America, LabCorp); PubMed 38016437 (cited by Women's Health and Genetics/Laboratory Corporation of America, LabCorp); PubMed 12525556 (cited by 3 submitters).

NM_206933.4(USH2A):c.1829A>C (p.His610Pro)

Gene: USH2A (usherin; minus strand). Cytogenetic location: 1q41.
Variant type: single nucleotide variant.
Coding change: c.1829A>C on transcript NM_206933.4 (MANE Select); coding-DNA position 1829, A replaced by C.
Protein change: p.His610Pro; replaces histidine 610 with proline.
Molecular consequence: missense variant.
Genome position (GRCh38, 1-based): chr1:216,292,186, T>G on the plus strand (A>C on the coding strand, the complement: USH2A is on the minus strand). VCF-style: chr1-216292186-T-G. GRCh37 (hg19) VCF-style: chr1-216465528-T-G.
Other names: c.1829A>C, p.His610Pro (NM_007123.6); short protein forms H610P.
Identifiers: ClinVar variation 801618 (VCV000801618.8), dbSNP rs1571668556, ClinGen allele CA344903008.
Genomic context (GRCh38, chr1:216,292,186, plus strand): 5'-AGAAGCACACAGGCCTCCAAACCAACTCAGGAATTTATTTGCTACTTACCTGTAGTGTTA[T>G]GCTCACAATCATCACAAACTCCTCCTCCCCCTCTGAAGTGCTCAAAAGGAAATGGGTCTA-3'
Protein context (NP_996816.3, residues 600-620): GGGGVCDDCE[His610Pro]NTTGRNCELC